The following is an entry in ClinVar:

ClinVar aggregate classification (germline): Uncertain significance. Review status: criteria provided, single submitter (1 of 4 stars). 2 submissions from 2 submitters: Uncertain significance (1). 1 of the submissions does not count toward it. Last evaluated 2025-11-20.

Conditions:
WDR37-related disorder. Also called: WDR37-related condition.
Inborn genetic diseases. Identifiers: MedGen C0950123, MeSH D030342.

gnomAD v4.1: 29 of 1,614,178 alleles (0.0018%); highest among the groups gnomAD compares: Middle Eastern, 0.016%; no homozygotes.

Submissions (2):

Ambry Genetics
Classification: Uncertain significance for Inborn genetic diseases. Last evaluated: 2025-11-20. Review status: criteria provided, single submitter. Criteria: Ambry Variant Classification Scheme 2023. Collection method: clinical testing. Allele origin: germline.

PreventionGenetics, part of Exact Sciences
Classification: Uncertain significance for WDR37-related condition. Last evaluated: 2024-04-05. Review status: no assertion criteria provided. Collection method: clinical testing. Allele origin: germline. Not counted in ClinVar's aggregate classification.
Comment: The WDR37 c.104G>A variant is predicted to result in the amino acid substitution p.Arg35Lys. To our knowledge, this variant has not been reported in the literature or in a large population database, indicating this variant is rare. At this time, the clinical significance of this variant is uncertain due to the absence of conclusive functional and genetic evidence.

NM_014023.4(WDR37):c.104G>A (p.Arg35Lys)

Gene: WDR37 (WD repeat domain 37; plus strand). Cytogenetic location: 10p15.3.
Variant type: single nucleotide variant.
Coding change: c.104G>A on transcript NM_014023.4 (MANE Select); coding-DNA position 104, G replaced by A.
Protein change: p.Arg35Lys; replaces arginine 35 with lysine.
Molecular consequence: missense variant.
Genome position (GRCh38, 1-based): chr10:1,072,259, G>A. VCF-style: chr10-1072259-G-A. GRCh37 (hg19) VCF-style: chr10-1118199-G-A.
Other names: short protein forms R35K.
Identifiers: ClinVar variation 3350929 (VCV003350929.2).